The following is an entry in ClinVar:

ClinVar aggregate classification (germline): Benign/Likely benign. Review status: criteria provided, multiple submitters, no conflicts (2 of 4 stars). 3 submissions from 3 submitters: Benign (1); Likely benign (1). 1 of the submissions does not count toward it. Last evaluated 2026-03-01.

Conditions:
COL27A1-related disorder. Also called: COL27A1-related condition.

Allele frequency attached by ClinVar (database versions not stated): gnomAD exomes 0.00018 and 0.00049; ExAC 0.00048; 1000 Genomes Project 0.00100; 1000 Genomes Project 30x 0.00125; gnomAD 0.00168 and 0.00185; TOPMed 0.00199; ESP Exome Variant Server 0.00269.
gnomAD v4.1: 528 of 1,611,396 alleles (0.033%); highest among the groups gnomAD compares: African/African-American, 0.64%; 3 homozygotes.

Submissions (3):

CeGaT Center for Human Genetics Tuebingen
Classification: Likely benign. Last evaluated: 2026-03-01. Review status: criteria provided, single submitter. Criteria: CeGaT Center For Human Genetics Tuebingen Variant Classification Criteria Version 2. Collection method: clinical testing. Allele origin: germline. Affected: yes. Observed: 1 variant allele.
Comment: COL27A1: BS2

Labcorp Genetics (formerly Invitae), Labcorp
Classification: Benign. Last evaluated: 2026-01-12. Review status: criteria provided, single submitter. Criteria: Invitae Variant Classification Sherloc (09022015). Collection method: clinical testing. Allele origin: germline.

PreventionGenetics, part of Exact Sciences
Classification: Likely benign for COL27A1-related condition. Last evaluated: 2019-10-22. Review status: no assertion criteria provided. Collection method: clinical testing. Allele origin: germline. Not counted in ClinVar's aggregate classification.
Comment: This variant is classified as likely benign based on ACMG/AMP sequence variant interpretation guidelines (Richards et al. 2015 PMID: 25741868, with internal and published modifications).

NM_032888.4(COL27A1):c.370C>G (p.Leu124Val)

Gene: COL27A1 (collagen type XXVII alpha 1 chain; plus strand). Cytogenetic location: 9q32.
Variant type: single nucleotide variant.
Coding change: c.370C>G on transcript NM_032888.4 (MANE Select); coding-DNA position 370, C replaced by G.
Protein change: p.Leu124Val; replaces leucine 124 with valine.
Molecular consequence: missense variant.
Genome position (GRCh38, 1-based): chr9:114,167,925, C>G. VCF-style: chr9-114167925-C-G. GRCh37 (hg19) VCF-style: chr9-116930205-C-G.
Other names: short protein forms L124V.
Identifiers: ClinVar variation 783556 (VCV000783556.17), dbSNP rs149948860, ClinGen allele CA5201131.
Genomic context (GRCh38, chr9:114,167,925, plus strand): 5'-CTCTGCTCCCACCGGGTGAACCATGCCTTCCTCTTCGCTGTCCGCAGCCAGAAACGCAAG[C>G]TGCAGCTGGGCCTGCAGTTCCTCCCCGGCAAGACGGTCGTCCACCTCGGGTCCCGGCGCT-3'
Protein context (NP_116277.2, residues 114-134): LFAVRSQKRK[Leu124Val]QLGLQFLPGK